The following is an entry in ClinVar:

NM_002393.5(MDM4):c.1120A>C (p.Lys374Gln)

Gene: MDM4 (MDM4 regulator of p53; plus strand). Cytogenetic location: 1q32.1.
Variant type: single nucleotide variant.
Coding change: c.1120A>C on transcript NM_002393.5 (MANE Select); coding-DNA position 1120, A replaced by C.
Protein change: p.Lys374Gln; replaces lysine 374 with glutamine.
Molecular consequence: missense variant. On other transcripts: 3 prime UTR variant (2).
Genome position (GRCh38, 1-based): chr1:204,549,329, A>C. VCF-style: chr1-204549329-A-C. GRCh37 (hg19) VCF-style: chr1-204518457-A-C.
Other names: c.970A>C, p.Lys324Gln (NM_001204171.2); c.142A>C, p.Lys48Gln (NM_001204172.2); c.*629A>C (NM_001278516.2); c.826A>C, p.Lys276Gln (NM_001278517.2); c.*290A>C (NM_001278518.2); c.451A>C, p.Lys151Gln (NM_001278519.2); short protein forms K374Q, K151Q, K324Q, K276Q, K48Q.
Identifiers: ClinVar variation 424927 (VCV000424927.44), dbSNP rs41299595, ClinGen allele CA1348858.

ClinVar aggregate classification (germline): Conflicting classifications of pathogenicity. Review status: criteria provided, conflicting classifications (1 of 4 stars). 2 submissions from 2 submitters: Uncertain significance (1); Likely benign (1). Last evaluated 2025-07-01.

Allele frequency attached by ClinVar (database versions not stated): 1000 Genomes Project 0.00180; 1000 Genomes Project 30x 0.00219; TOPMed 0.00301; gnomAD 0.00323 and 0.00326; ESP Exome Variant Server 0.00331; gnomAD exomes 0.00415; ExAC 0.00514.
gnomAD v4.1: 6,951 of 1,614,152 alleles (0.43%); highest among the groups gnomAD compares: Non-Finnish European, 0.51%; 24 homozygotes.

Submissions (2):

CeGaT Center for Human Genetics Tuebingen
Classification: Likely benign. Last evaluated: 2025-07-01. Review status: criteria provided, single submitter. Criteria: CeGaT Center For Human Genetics Tuebingen Variant Classification Criteria Version 2. Collection method: clinical testing. Allele origin: germline. Affected: yes. Observed: 5 variant alleles.
Comment: MDM4: BP4, BS2

Breakthrough Genomics
Classification: Uncertain significance. Review status: criteria provided, single submitter. Criteria: ACMG Guidelines, 2015. Collection method: not provided. Allele origin: germline. Inheritance: Autosomal dominant inheritance. Affected: yes.